The following is an entry in ClinVar:

NM_001365088.1(SLC12A6):c.388_392delinsTAT (p.Asp130fs)

Gene: SLC12A6 (solute carrier family 12 member 6; minus strand). Cytogenetic location: 15q14.
Variant type: Indel.
Coding change: c.388_392delinsTAT on transcript NM_001365088.1 (MANE Select); coding-DNA positions 388 to 392, GATAA replaced by TAT.
Protein change: p.Asp130fs; shifts the reading frame from aspartic acid 130.
Molecular consequence: frameshift variant.
Genome position (GRCh38, 1-based): chr15:34,260,945-34,260,949, TTATC replaced by ATA on the plus strand (GATAA replaced by TAT on the coding strand, the reverse complement: SLC12A6 is on the minus strand). VCF-style: chr15-34260945-TTATC-ATA. GRCh37 (hg19) VCF-style: chr15-34553146-TTATC-ATA.
Other names: c.211_215delinsTAT, p.Asp71fs (NM_001042494.2, NM_001042495.2); c.361_365delinsTAT, p.Asp121fs (NM_001042496.2); c.343_347delinsTAT, p.Asp115fs (NM_001042497.2); c.235_239delinsTAT, p.Asp79fs (NM_005135.2); c.388_392delinsTAT, p.Asp130fs (NM_133647.2); short protein forms D115fs, D121fs, D130fs, D71fs, D79fs.
Identifiers: ClinVar variation 1724596 (VCV001724596.2), dbSNP rs2509846598, ClinGen allele CA2580089246.

ClinVar aggregate classification (germline): Likely pathogenic (1 of 4 stars; one submission).

Conditions:
Agenesis of the corpus callosum with peripheral neuropathy (ACCPN). Also called: CHARLEVOIX DISEASE; POLYNEUROPATHY, SENSORIMOTOR, WITH OR WITHOUT AGENESIS OF THE CORPUS CALLOSUM; HMSN/ACC; Hereditary Motor and Sensory Neuropathy with Agenesis of the Corpus Callosum. Identifiers: Orphanet 1496, MedGen C0795950, MONDO:0000902, OMIM 218000. Disease mechanism: loss of function.

Submission:

Myriad Genetics, Inc.
Classification: Likely pathogenic for Agenesis of the corpus callosum with peripheral neuropathy. Last evaluated: 2022-02-20. Review status: criteria provided, single submitter. Criteria: Myriad Women's Health Autosomal Recessive and X-Linked Classification Criteria (2021). Collection method: clinical testing. Allele origin: unknown.
Comment: NM_133647.1(SLC12A6):c.388_392del5ins3(D130Yfs*7) is expected to be pathogenic in the context of Andermann syndrome. This variant is predicted to lead to an abnormal or absent protein product due to the creation of a premature termination codon in SLC12A6, a gene where loss-of-function variants are known to be pathogenic. Please note: this variant was assessed in the context of healthy population screening.